The following is an entry in ClinVar:

NM_001098426.2(SMARCD2):c.1217dup (p.Tyr406Ter)

Gene: SMARCD2 (SWI/SNF related BAF chromatin remodeling complex subunit D2; minus strand). Cytogenetic location: 17q23.3.
Variant type: Duplication.
Coding change: c.1217dup on transcript NM_001098426.2 (MANE Select); coding-DNA position 1217, one base duplicated (A; older notation c.1217dupA).
Protein change: p.Tyr406Ter; replaces tyrosine 406 with a stop codon.
Molecular consequence: nonsense.
Genome position (GRCh38, 1-based): chr17:63,833,687, T duplicated on the plus strand (A on the coding strand, the reverse complement: SMARCD2 is on the minus strand). VCF-style (leftmost placement, unchanged base first): chr17-63833686-G-GT. GRCh37 (hg19) VCF-style: chr17-61911046-G-GT.
Other names: c.992dup, p.Tyr331Ter (NM_001330439.1); c.1073dup, p.Tyr358Ter (NM_001330440.2); short protein forms Y358*, Y406*, Y331*.
Identifiers: ClinVar variation 3682590 (VCV003682590.2).

ClinVar aggregate classification (germline): Pathogenic (1 of 4 stars; one submission).

Submission:

Labcorp Genetics (formerly Invitae), Labcorp
Classification: Pathogenic. Last evaluated: 2024-07-30. Review status: criteria provided, single submitter. Criteria: Invitae Variant Classification Sherloc (09022015). Collection method: clinical testing. Allele origin: germline.
Comment: This sequence change creates a premature translational stop signal (p.Tyr406*) in the SMARCD2 gene. It is expected to result in an absent or disrupted protein product. Loss-of-function variants in SMARCD2 are known to be pathogenic (PMID: 28369036). This variant is not present in population databases (gnomAD no frequency). This variant has not been reported in the literature in individuals affected with SMARCD2-related conditions. For these reasons, this variant has been classified as Pathogenic.

Literature cited by the submitters: PubMed 28369036.